The following is an entry in ClinVar:

NM_001384732.1(CPLANE1):c.5901-3T>C

Gene: CPLANE1 (ciliogenesis and planar polarity effector complex subunit 1; minus strand). Cytogenetic location: 5p13.2.
Variant type: single nucleotide variant.
Coding change: c.5901-3T>C on transcript NM_001384732.1 (MANE Select); 3 bases into the intron before coding-DNA position 5901, T replaced by C.
Molecular consequence: intron variant.
Genome position (GRCh38, 1-based): chr5:37,175,989, A>G on the plus strand (T>C on the coding strand, the complement: CPLANE1 is on the minus strand). VCF-style: chr5-37175989-A-G. GRCh37 (hg19) VCF-style: chr5-37176091-A-G.
Other names: p.?; c.5901-3T>C (NM_023073.4).
Identifiers: ClinVar variation 158046 (VCV000158046.23), dbSNP rs10805625, ClinGen allele CA171452.

ClinVar aggregate classification (germline): Benign/Likely benign. Review status: criteria provided, multiple submitters, no conflicts (2 of 4 stars). 11 submissions from 11 submitters: Benign (8); Likely benign (1). 2 of the submissions do not count toward it. Last evaluated 2026-03-30.

Conditions:
Joubert syndrome 17 (JBTS17). Identifiers: Orphanet 475, MedGen C3553264, MONDO:0013824, OMIM 614615.

Allele frequency attached by ClinVar (database versions not stated): gnomAD exomes 0.10575 and 0.12386; ExAC 0.12393; 1000 Genomes Project 0.14237; 1000 Genomes Project 30x 0.14475; gnomAD 0.14780 and 0.15103; ESP Exome Variant Server 0.14870; TOPMed 0.15135.
gnomAD v4.1: 176,048 of 1,598,720 alleles (11%); highest among the groups gnomAD compares: African/African-American, 23%; 10,836 homozygotes.

Submissions (11):

Women's Health and Genetics/Laboratory Corporation of America, LabCorp
Classification: Benign. Last evaluated: 2026-03-30. Review status: criteria provided, single submitter. Criteria: LabCorp Variant Classification Summary - May 2015. Collection method: clinical testing. Allele origin: germline.
Comment: Variant summary: CPLANE1 c.5901-3T>C alters a nucleotide located close to a canonical splice site and therefore could affect mRNA splicing, leading to a significantly altered protein sequence. Consensus agreement among computation tools predict no significant impact on normal splicing. However, these predictions have yet to be confirmed by functional studies. The variant allele was found at a frequency of 0.11 in 1598720 control chromosomes in the gnomAD database, including 10836 homozygotes. The observed variant frequency exceeds the estimated maximal expected allele frequency for disease-causing variants in CPLANE1. To our knowledge, no occurrence of c.5901-3T>C in individuals affected with CPLANE1-related conditions and no experimental evidence demonstrating its impact on protein function have been reported. ClinVar contains an entry for this variant (Variation ID: 158046). Based on the evidence outlined above, the variant was classified as benign.

Labcorp Genetics (formerly Invitae), Labcorp
Classification: Benign. Last evaluated: 2026-02-04. Review status: criteria provided, single submitter. Criteria: Invitae Variant Classification Sherloc (09022015). Collection method: clinical testing. Allele origin: germline.

Blueprint Genetics
Classification: Likely benign. Last evaluated: 2024-11-26. Review status: criteria provided, single submitter. Criteria: ACMG Guidelines, 2015. Collection method: clinical testing. Allele origin: germline.

Mayo Clinic Laboratories, Mayo Clinic
Classification: Benign. Last evaluated: 2022-03-09. Review status: criteria provided, single submitter. Criteria: ACMG Guidelines, 2015. Collection method: clinical testing. Allele origin: germline. Observed: 13 variant alleles.

Illumina Laboratory Services, Illumina
Classification: Benign for Joubert syndrome 17. Last evaluated: 2018-01-12. Review status: criteria provided, single submitter. Criteria: ICSL Variant Classification Criteria 13 December 2019. Collection method: clinical testing. Allele origin: germline.
Comment: This variant was observed in the ICSL laboratory as part of a predisposition screen in an ostensibly healthy population. It had not been previously curated by ICSL or reported in the Human Gene Mutation Database (HGMD: prior to June 1st, 2018), and was therefore a candidate for classification through an automated scoring system. Utilizing variant allele frequency, disease prevalence and penetrance estimates, and inheritance mode, an automated score was calculated to assess if this variant is too frequent to cause the disease. Based on the score and internal cut-off values, a variant classified as benign is not then subjected to further curation. The score for this variant resulted in a classification of benign for this disease.

GeneDx
Classification: Benign. Last evaluated: 2016-03-14. Review status: criteria provided, single submitter. Criteria: GeneDx Variant Classification (06012015). Collection method: clinical testing. Allele origin: germline. Affected: yes.
Comment: This variant is considered likely benign or benign based on one or more of the following criteria: it is a conservative change, it occurs at a poorly conserved position in the protein, it is predicted to be benign by multiple in silico algorithms, and/or has population frequency not consistent with disease.

Clinical Genetics DNA and cytogenetics Diagnostics Lab, Erasmus MC, Erasmus Medical Center
Classification: Benign for Joubert syndrome 17. Last evaluated: 2015-09-21. Review status: criteria provided, single submitter. Criteria: ACGS Guidelines, 2013. Collection method: clinical testing. Allele origin: germline. Affected: yes. Study: VKGL Data-share Consensus.

Breakthrough Genomics
Classification: Benign. Review status: criteria provided, single submitter. Criteria: ACMG Guidelines, 2015. Collection method: not provided. Allele origin: germline. Inheritance: Autosomal recessive inheritance. Affected: yes.

PreventionGenetics, part of Exact Sciences
Classification: Benign. Review status: criteria provided, single submitter. Criteria: ACMG Guidelines, 2015. Collection method: clinical testing. Allele origin: germline.

Diagnostic Laboratory, Department of Genetics, University Medical Center Groningen
Classification: Benign for Joubert syndrome 17. Review status: no assertion criteria provided. Collection method: clinical testing. Allele origin: germline. Affected: yes. Study: VKGL Data-share Consensus. Not counted in ClinVar's aggregate classification.

Genetic Services Laboratory, University of Chicago
Classification: Likely benign. Review status: no assertion criteria provided. Collection method: clinical testing. Allele origin: germline. Inheritance: Autosomal recessive inheritance. Not counted in ClinVar's aggregate classification.
Comment: Likely benign based on allele frequency in 1000 Genomes Project or ESP global frequency and its presence in a patient with a rare or unrelated disease phenotype. NOT Sanger confirmed